The following is an entry in ClinVar:

NM_001231.5(CASQ1):c.877G>A (p.Asp293Asn)

Gene: CASQ1 (calsequestrin 1; plus strand). Cytogenetic location: 1q23.2.
Variant type: single nucleotide variant.
Coding change: c.877G>A on transcript NM_001231.5 (MANE Select); coding-DNA position 877, G replaced by A.
Protein change: p.Asp293Asn; replaces aspartic acid 293 with asparagine.
Molecular consequence: missense variant.
Genome position (GRCh38, 1-based): chr1:160,198,725, G>A. VCF-style: chr1-160198725-G-A. GRCh37 (hg19) VCF-style: chr1-160168515-G-A.
Other names: short protein forms D293N.
Identifiers: ClinVar variation 3008871 (VCV003008871.3), dbSNP rs1185001392, ClinGen allele CA343260844.

ClinVar aggregate classification (germline): Uncertain significance (1 of 4 stars; one submission).

Allele frequency attached by ClinVar (database versions not stated): gnomAD exomes below 0.00001; TOPMed 0.00001.

Submission:

Labcorp Genetics (formerly Invitae), Labcorp
Classification: Uncertain significance. Last evaluated: 2025-05-14. Review status: criteria provided, single submitter. Criteria: Invitae Variant Classification Sherloc (09022015). Collection method: clinical testing. Allele origin: germline.
Comment: This sequence change replaces aspartic acid, which is acidic and polar, with asparagine, which is neutral and polar, at codon 293 of the CASQ1 protein (p.Asp293Asn). This variant is present in population databases (no rsID available, gnomAD 0.003%). This variant has not been reported in the literature in individuals affected with CASQ1-related conditions. ClinVar contains an entry for this variant (Variation ID: 3008871). Invitae Evidence Modeling of protein sequence and biophysical properties (such as structural, functional, and spatial information, amino acid conservation, physicochemical variation, residue mobility, and thermodynamic stability) indicates that this missense variant is not expected to disrupt CASQ1 protein function with a negative predictive value of 80%. In summary, the available evidence is currently insufficient to determine the role of this variant in disease. Therefore, it has been classified as a Variant of Uncertain Significance.